The following is an entry in ClinVar:

ClinVar aggregate classification (germline): Uncertain significance (1 of 4 stars; one submission).

Conditions:
Autosomal dominant hypocalcemia 1 (HYPOC1). Also called: HYPOCALCEMIA, FAMILIAL. Identifiers: MedGen C3715128, MONDO:0011013, OMIM 601198.
Familial hypocalciuric hypercalcemia (FHH). Also called: Familial benign hypercalcemia. Identifiers: Orphanet 405, MedGen C1809471, MONDO:0018458.

gnomAD v4.1: 1 of 1,613,934 alleles (0.000062%); highest among the groups gnomAD compares: Non-Finnish European, 0.000085%; no homozygotes.

Submission:

Labcorp Genetics (formerly Invitae), Labcorp
Classification: Uncertain significance for Familial hypocalciuric hypercalcemia; Autosomal dominant hypocalcemia 1. Last evaluated: 2024-06-04. Review status: criteria provided, single submitter. Criteria: Invitae Variant Classification Sherloc (09022015). Collection method: clinical testing. Allele origin: germline.
Comment: This sequence change replaces alanine, which is neutral and non-polar, with aspartic acid, which is acidic and polar, at codon 19 of the CASR protein (p.Ala19Asp). This variant is not present in population databases (gnomAD no frequency). This variant has not been reported in the literature in individuals affected with CASR-related conditions. An algorithm developed to predict the effect of missense changes on protein structure and function (PolyPhen-2) suggests that this variant is likely to be tolerated. In summary, the available evidence is currently insufficient to determine the role of this variant in disease. Therefore, it has been classified as a Variant of Uncertain Significance.

NM_000388.4(CASR):c.56C>A (p.Ala19Asp)

Gene: CASR (calcium sensing receptor; plus strand). Cytogenetic location: 3q21.1.
Variant type: single nucleotide variant.
Coding change: c.56C>A on transcript NM_000388.4 (MANE Select); coding-DNA position 56, C replaced by A.
Protein change: p.Ala19Asp; replaces alanine 19 with aspartic acid.
Molecular consequence: missense variant.
Genome position (GRCh38, 1-based): chr3:122,254,245, C>A. VCF-style: chr3-122254245-C-A. GRCh37 (hg19) VCF-style: chr3-121973092-C-A.
Other names: c.56C>A, p.Ala19Asp (NM_001178065.2); short protein forms A19D.
Identifiers: ClinVar variation 3751775 (VCV003751775.2).